The following is an entry in ClinVar:

ClinVar aggregate classification (germline): Uncertain significance (1 of 4 stars; one submission).

Submission:

GeneDx
Classification: Uncertain significance. Last evaluated: 2024-12-26. Review status: criteria provided, single submitter. Criteria: GeneDx Variant Classification Process June 2021. Collection method: clinical testing. Allele origin: germline. Affected: yes.
Comment: Not observed at significant frequency in large population cohorts (gnomAD); In silico analysis supports that this missense variant has a deleterious effect on protein structure/function; Has not been previously published as pathogenic or benign to our knowledge

NM_032217.5(ANKRD17):c.3850A>T (p.Thr1284Ser)

Gene: ANKRD17 (ankyrin repeat domain 17; minus strand). Cytogenetic location: 4q13.3.
Variant type: single nucleotide variant.
Coding change: c.3850A>T on transcript NM_032217.5 (MANE Select); coding-DNA position 3850, A replaced by T.
Protein change: p.Thr1284Ser; replaces threonine 1284 with serine.
Molecular consequence: missense variant.
Genome position (GRCh38, 1-based): chr4:73,120,337, T>A on the plus strand (A>T on the coding strand, the complement: ANKRD17 is on the minus strand). VCF-style: chr4-73120337-T-A. GRCh37 (hg19) VCF-style: chr4-73986054-T-A.
Other names: c.3511A>T, p.Thr1171Ser (NM_001286771.3); c.3847A>T, p.Thr1283Ser (NM_015574.2); c.3097A>T, p.Thr1033Ser (NM_198889.3); short protein forms T1033S, T1171S, T1283S, T1284S.
Identifiers: ClinVar variation 3908026 (VCV003908026.1).